The following is an entry in ClinVar:

ClinVar aggregate classification (germline): Uncertain significance. Review status: criteria provided, multiple submitters, no conflicts (2 of 4 stars). 2 submissions from 2 submitters: Uncertain significance (2). Last evaluated 2023-11-24.

Conditions:
Hereditary cancer-predisposing syndrome. Also called: Hereditary neoplastic syndrome; Neoplastic Syndromes, Hereditary; Hereditary Cancer Syndrome; Tumor predisposition. Identifiers: Orphanet 140162, MedGen C0027672, MeSH D009386, MONDO:0015356.
Bloom syndrome (BLM). Also called: Bloom-Torre-Machacek syndrome. Identifiers: Orphanet 125, MedGen C0005859, MONDO:0008876, OMIM 210900.

Submissions (2):

Ambry Genetics
Classification: Uncertain significance for Hereditary cancer-predisposing syndrome. Last evaluated: 2023-11-24. Review status: criteria provided, single submitter. Criteria: Ambry Variant Classification Scheme 2023. Collection method: clinical testing. Allele origin: germline.
Comment: The p.F479Y variant (also known as c.1436T>A), located in coding exon 6 of the BLM gene, results from a T to A substitution at nucleotide position 1436. The phenylalanine at codon 479 is replaced by tyrosine, an amino acid with highly similar properties. This amino acid position is conserved. In addition, this alteration is predicted to be tolerated by in silico analysis. Since supporting evidence is limited at this time, the clinical significance of this alteration remains unclear.

Labcorp Genetics (formerly Invitae), Labcorp
Classification: Uncertain significance for Bloom syndrome. Last evaluated: 2019-11-15. Review status: criteria provided, single submitter. Criteria: Invitae Variant Classification Sherloc (09022015). Collection method: clinical testing. Allele origin: germline.
Comment: In summary, the available evidence is currently insufficient to determine the role of this variant in disease. Therefore, it has been classified as a Variant of Uncertain Significance. Algorithms developed to predict the effect of missense changes on protein structure and function (SIFT, PolyPhen-2, Align-GVGD) all suggest that this variant is likely to be tolerated, but these predictions have not been confirmed by published functional studies and their clinical significance is uncertain. This variant has not been reported in the literature in individuals with BLM-related conditions. This variant is not present in population databases (ExAC no frequency). This sequence change replaces phenylalanine with tyrosine at codon 479 of the BLM protein (p.Phe479Tyr). The phenylalanine residue is weakly conserved and there is a small physicochemical difference between phenylalanine and tyrosine.

NM_000057.4(BLM):c.1436T>A (p.Phe479Tyr)

Gene: BLM (BLM RecQ like helicase; plus strand). Cytogenetic location: 15q26.1.
Variant type: single nucleotide variant.
Coding change: c.1436T>A on transcript NM_000057.4 (MANE Select); coding-DNA position 1436, T replaced by A.
Protein change: p.Phe479Tyr; replaces phenylalanine 479 with tyrosine.
Molecular consequence: missense variant.
Genome position (GRCh38, 1-based): chr15:90,760,809, T>A. VCF-style: chr15-90760809-T-A. GRCh37 (hg19) VCF-style: chr15-91304039-T-A.
Other names: c.1436T>A, p.Phe479Tyr (NM_001287246.2, NM_001287247.2); c.311T>A, p.Phe104Tyr (NM_001287248.2); c.1436T>A (NM_000057.2); short protein forms F479Y, F104Y.
Identifiers: ClinVar variation 965081 (VCV000965081.11), dbSNP rs1418071613, ClinGen allele CA393843053.